The following is an entry in ClinVar:

ClinVar aggregate classification (germline): Pathogenic/Likely pathogenic. Review status: criteria provided, multiple submitters, no conflicts (2 of 4 stars). 4 submissions from 4 submitters: Pathogenic (2); Likely pathogenic (2). Last evaluated 2025-09-03.

Conditions:
CLCN1-related disorder. Also called: CLCN1-related condition.
Congenital myotonia, autosomal dominant form (THD). Also called: THOMSEN DISEASE; Myotonia congenita autosomal dominant. Identifiers: Orphanet 614, MedGen C2936781, MONDO:0008055, OMIM 160800.
Congenital myotonia, autosomal recessive form. Also called: Becker Generalized Myotonia; myotonia congenita, autosomal recessive; BECKER DISEASE. Identifiers: Orphanet 614, MedGen C0751360, MONDO:0009715, OMIM 255700.

Allele frequency attached by ClinVar (database versions not stated): gnomAD exomes below 0.00001 and 0.00005; TOPMed 0.00001; gnomAD 0.00002.

Submissions (4):

Labcorp Genetics (formerly Invitae), Labcorp
Classification: Pathogenic for Congenital myotonia, autosomal recessive form; Congenital myotonia, autosomal dominant form. Last evaluated: 2025-09-03. Review status: criteria provided, single submitter. Criteria: Invitae Variant Classification Sherloc (09022015). Collection method: clinical testing. Allele origin: germline.
Comment: This sequence change creates a premature translational stop signal (p.Glu624Aspfs*23) in the CLCN1 gene. It is expected to result in an absent or disrupted protein product. Loss-of-function variants in CLCN1 are known to be pathogenic (PMID: 17932099, 22094069, 23739125). This variant is present in population databases (no rsID available, gnomAD 0.002%). This variant has not been reported in the literature in individuals affected with CLCN1-related conditions. ClinVar contains an entry for this variant (Variation ID: 861405). For these reasons, this variant has been classified as Pathogenic.

Greenwood Genetic Center Diagnostic Laboratories, Greenwood Genetic Center
Classification: Likely pathogenic for CLCN1-related disorder. Last evaluated: 2025-01-29. Review status: criteria provided, single submitter. Criteria: ACMG Guidelines, 2015. Collection method: clinical testing. Allele origin: germline. Affected: yes.
Comment: PVS1, PM2

Fulgent Genetics
Classification: Pathogenic for Congenital myotonia, autosomal dominant form; Congenital myotonia, autosomal recessive form. Last evaluated: 2024-06-01. Review status: criteria provided, single submitter. Criteria: ACMG Guidelines, 2015. Collection method: clinical testing. Allele origin: germline.

Revvity Omics, Revvity
Classification: Likely pathogenic. Last evaluated: 2021-09-07. Review status: criteria provided, single submitter. Criteria: ACMG Guidelines, 2015. Collection method: clinical testing. Allele origin: germline.

Literature cited by the submitters: PubMed 17932099 (cited by Labcorp Genetics (formerly Invitae), Labcorp); PubMed 22094069 (cited by Labcorp Genetics (formerly Invitae), Labcorp); PubMed 23739125 (cited by Labcorp Genetics (formerly Invitae), Labcorp).

NM_000083.3(CLCN1):c.1872del (p.Glu624fs)

Gene: CLCN1 (chloride voltage-gated channel 1; plus strand). Cytogenetic location: 7q34.
Variant type: Deletion.
Coding change: c.1872del on transcript NM_000083.3 (MANE Select); coding-DNA position 1872, one base deleted (G; older notation c.1872delG).
Protein change: p.Glu624fs; shifts the reading frame from glutamic acid 624.
Molecular consequence: frameshift variant. On other transcripts: non-coding transcript variant (1).
Genome position (GRCh38, 1-based): chr7:143,342,447, G deleted. VCF-style (leftmost placement, unchanged base first): chr7-143342446-AG-A. GRCh37 (hg19) VCF-style: chr7-143039539-AG-A.
Other names: short protein forms E624fs.
Identifiers: ClinVar variation 861405 (VCV000861405.13), dbSNP rs1424799320, ClinGen allele CA578445873.